The following is an entry in ClinVar:

ClinVar aggregate classification (germline): Uncertain significance (1 of 4 stars; one submission).

Submission:

Labcorp Genetics (formerly Invitae), Labcorp
Classification: Uncertain significance. Last evaluated: 2022-08-15. Review status: criteria provided, single submitter. Criteria: Invitae Variant Classification Sherloc (09022015). Collection method: clinical testing. Allele origin: germline.
Comment: This sequence change affects codon 4427 of the ADGRV1 mRNA. It is a 'silent' change, meaning that it does not change the encoded amino acid sequence of the ADGRV1 protein. This variant is not present in population databases (gnomAD no frequency). This variant has not been reported in the literature in individuals affected with ADGRV1-related conditions. ClinVar contains an entry for this variant (Variation ID: 1007934). Algorithms developed to predict the effect of sequence changes on RNA splicing suggest that this variant may disrupt the consensus splice site. In summary, the available evidence is currently insufficient to determine the role of this variant in disease. Therefore, it has been classified as a Variant of Uncertain Significance.

NM_032119.4(ADGRV1):c.13281A>T (p.Gly4427=)

Gene: ADGRV1 (adhesion G protein-coupled receptor V1; plus strand). Cytogenetic location: 5q14.3.
Variant type: single nucleotide variant.
Coding change: c.13281A>T on transcript NM_032119.4 (MANE Select); coding-DNA position 13281, A replaced by T.
Protein change: p.Gly4427=; no amino-acid change (glycine 4427 retained).
Molecular consequence: synonymous variant. On other transcripts: non-coding transcript variant (1).
Genome position (GRCh38, 1-based): chr5:90,783,173, A>T. VCF-style: chr5-90783173-A-T. GRCh37 (hg19) VCF-style: chr5-90078990-A-T.
Identifiers: ClinVar variation 1007934 (VCV001007934.8), dbSNP rs1759041382, ClinGen allele CA445414892.